The following is an entry in ClinVar:

NM_002841.4(PTPRG):c.2037C>T (p.Thr679=)

Gene: PTPRG (protein tyrosine phosphatase receptor type G; plus strand). Cytogenetic location: 3p14.2.
Variant type: single nucleotide variant.
Coding change: c.2037C>T on transcript NM_002841.4 (MANE Select); coding-DNA position 2037, C replaced by T.
Protein change: p.Thr679=; no amino-acid change (threonine 679 retained).
Molecular consequence: synonymous variant.
Genome position (GRCh38, 1-based): chr3:62,203,832, C>T. VCF-style: chr3-62203832-C-T. GRCh37 (hg19) VCF-style: chr3-62189506-C-T.
Other names: c.2037C>T, p.Thr679= (NM_001375471.1).
Identifiers: ClinVar variation 2653927 (VCV002653927.24), dbSNP rs561879723, ClinGen allele CA2474870.

ClinVar aggregate classification (germline): Likely benign (1 of 4 stars; one submission).

Allele frequency attached by ClinVar (database versions not stated): gnomAD exomes 0.00003; gnomAD 0.00006; TOPMed 0.00006; ExAC 0.00013; 1000 Genomes Project 30x 0.00031; 1000 Genomes Project 0.00040.
gnomAD v4.1: 69 of 1,614,078 alleles (0.0043%); highest among the groups gnomAD compares: East Asian, 0.087%; no homozygotes.

Submission:

CeGaT Center for Human Genetics Tuebingen
Classification: Likely benign. Last evaluated: 2023-01-01. Review status: criteria provided, single submitter. Criteria: CeGaT Center For Human Genetics Tuebingen Variant Classification Criteria Version 2. Collection method: clinical testing. Allele origin: germline. Affected: yes. Observed: 1 variant allele.
Comment: PTPRG: BP4, BP7